The following is an entry in ClinVar:

ClinVar aggregate classification (germline): Uncertain significance (1 of 4 stars; one submission).

Allele frequency attached by ClinVar (database versions not stated): 1000 Genomes Project 30x 0.00016; 1000 Genomes Project 0.00020.

Submission:

Labcorp Genetics (formerly Invitae), Labcorp
Classification: Uncertain significance. Last evaluated: 2023-10-03. Review status: criteria provided, single submitter. Criteria: Invitae Variant Classification Sherloc (09022015). Collection method: clinical testing. Allele origin: germline.
Comment: This sequence change replaces serine, which is neutral and polar, with leucine, which is neutral and non-polar, at codon 496 of the CEP135 protein (p.Ser496Leu). This variant is not present in population databases (gnomAD no frequency). This variant has not been reported in the literature in individuals affected with CEP135-related conditions. ClinVar contains an entry for this variant (Variation ID: 1399130). An algorithm developed to predict the effect of missense changes on protein structure and function (PolyPhen-2) suggests that this variant is likely to be tolerated. In summary, the available evidence is currently insufficient to determine the role of this variant in disease. Therefore, it has been classified as a Variant of Uncertain Significance.

NM_025009.5(CEP135):c.1487C>T (p.Ser496Leu)

Gene: CEP135 (centrosomal protein 135; plus strand). Cytogenetic location: 4q12.
Variant type: single nucleotide variant.
Coding change: c.1487C>T on transcript NM_025009.5 (MANE Select); coding-DNA position 1487, C replaced by T.
Protein change: p.Ser496Leu; replaces serine 496 with leucine.
Molecular consequence: missense variant.
Genome position (GRCh38, 1-based): chr4:55,980,156, C>T. VCF-style: chr4-55980156-C-T. GRCh37 (hg19) VCF-style: chr4-56846322-C-T.
Other names: short protein forms S496L.
Identifiers: ClinVar variation 1399130 (VCV001399130.8), dbSNP rs183660760, ClinGen allele CA96960963.
Genomic context (GRCh38, chr4:55,980,156, plus strand): 5'-ACAACCATGTGGTGATGATTATATTTTGTTTTTTAATTATGTTTCAGGGTGATTACAATT[C>T]AGAAATTCATCAGATCACAAGAGAAAGAGATGAACTTCAGCGTATGCTAGAAAGATTTGA-3'
Protein context (NP_079285.2, residues 486-506): FRTPEKGDYN[Ser496Leu]EIHQITRERD